The following is an entry in ClinVar:

ClinVar aggregate classification (germline): Uncertain significance (1 of 4 stars; one submission).

Conditions:
Hereditary pheochromocytoma and paraganglioma. Also called: Hereditary paragangliomas and pheochromocytomas; Hereditary Paraganglioma-Pheochromocytoma Syndromes; Hereditary pheochromocytoma-paraganglioma. Identifiers: Orphanet 29072, MedGen C4274332, MONDO:0017366.

Submission:

Labcorp Genetics (formerly Invitae), Labcorp
Classification: Uncertain significance for Hereditary pheochromocytoma and paraganglioma. Last evaluated: 2024-02-06. Review status: criteria provided, single submitter. Criteria: Invitae Variant Classification Sherloc (09022015). Collection method: clinical testing. Allele origin: germline.
Comment: This sequence change replaces isoleucine, which is neutral and non-polar, with phenylalanine, which is neutral and non-polar, at codon 134 of the TMEM127 protein (p.Ile134Phe). This variant is not present in population databases (gnomAD no frequency). This variant has not been reported in the literature in individuals affected with TMEM127-related conditions. An algorithm developed to predict the effect of missense changes on protein structure and function (PolyPhen-2) suggests that this variant is likely to be tolerated. In summary, the available evidence is currently insufficient to determine the role of this variant in disease. Therefore, it has been classified as a Variant of Uncertain Significance.

NM_017849.4(TMEM127):c.400A>T (p.Ile134Phe)

Gene: TMEM127 (transmembrane protein 127; minus strand). Cytogenetic location: 2q11.2.
Variant type: single nucleotide variant.
Coding change: c.400A>T on transcript NM_017849.4 (MANE Select); coding-DNA position 400, A replaced by T.
Protein change: p.Ile134Phe; replaces isoleucine 134 with phenylalanine.
Molecular consequence: missense variant.
Genome position (GRCh38, 1-based): chr2:96,254,842, T>A on the plus strand (A>T on the coding strand, the complement: TMEM127 is on the minus strand). VCF-style: chr2-96254842-T-A. GRCh37 (hg19) VCF-style: chr2-96920580-T-A.
Other names: c.400A>T, p.Ile134Phe (NM_001193304.3); c.148A>T, p.Ile50Phe (NM_001407282.1, NM_001407283.1); short protein forms I50F, I134F.
Identifiers: ClinVar variation 3639103 (VCV003639103.2).
Genomic context (GRCh38, chr2:96,254,842, plus strand): 5'-CCCCCACCCTGTAGCAGTTCCTCTCCCACTGTGAGCAGGCTCACGGCTTACCCGTTAGGA[T>A]ATGGGCGAAGGCATAGCGACGAGTGATCTTCAGAGCAGGATGCTTCGGCCCAAAGACATC-3'
Protein context (NP_060319.1, residues 124-144): KITRRYAFAH[Ile134Phe]LTVLQCATVI